The following is an entry in ClinVar:

ClinVar aggregate classification (germline): Pathogenic (1 of 4 stars; one submission).

Allele frequency attached by ClinVar (database versions not stated): ExAC 0.00001; gnomAD 0.00001; TOPMed 0.00001.

Submission:

Labcorp Genetics (formerly Invitae), Labcorp
Classification: Pathogenic. Last evaluated: 2023-11-17. Review status: criteria provided, single submitter. Criteria: Invitae Variant Classification Sherloc (09022015). Collection method: clinical testing. Allele origin: germline.
Comment: This sequence change creates a premature translational stop signal (p.Thr95Leufs*8) in the NDUFV1 gene. It is expected to result in an absent or disrupted protein product. Loss-of-function variants in NDUFV1 are known to be pathogenic (PMID: 10080174, 11349233). This variant is present in population databases (rs764629375, gnomAD 0.007%). This variant has not been reported in the literature in individuals affected with NDUFV1-related conditions. For these reasons, this variant has been classified as Pathogenic.

Literature cited by the submitters: PubMed 10080174; PubMed 11349233.

NM_007103.4(NDUFV1):c.283del (p.Thr95fs)

Gene: NDUFV1 (NADH:ubiquinone oxidoreductase core subunit V1; plus strand). Cytogenetic location: 11q13.2.
Variant type: Deletion.
Coding change: c.283del on transcript NM_007103.4 (MANE Select); coding-DNA position 283, one base deleted (A; older notation c.283delA).
Protein change: p.Thr95fs; shifts the reading frame from threonine 95.
Molecular consequence: frameshift variant.
Genome position (GRCh38, 1-based): chr11:67,608,679, A deleted. VCF-style (leftmost placement, unchanged base first): chr11-67608678-CA-C. GRCh37 (hg19) VCF-style: chr11-67376149-CA-C.
Other names: c.256del, p.Thr86fs (NM_001166102.2); short protein forms T95fs, T86fs.
Identifiers: ClinVar variation 2694566 (VCV002694566.3), dbSNP rs764629375, ClinGen allele CA6143124.
Genomic context (GRCh38, chr11:67,608,678, plus strand): 5'-CTGGATCCTGGGCGAGATCAAGACATCGGGTTTGAGGGGCCGTGGAGGCGCTGGCTTCCC[CA>C]CTGGCCTCAAGTGGAGCTTCATGAATAAGCCCTCAGATGGCAGGTGTGTGTGTGGGGGCG-3'